The following is an entry in ClinVar:

NM_001330078.2(NRXN1):c.2324G>A (p.Arg775His)

Gene: NRXN1 (neurexin 1; minus strand). Cytogenetic location: 2p16.3.
Variant type: single nucleotide variant.
Coding change: c.2324G>A on transcript NM_001330078.2 (MANE Select); coding-DNA position 2324, G replaced by A.
Protein change: p.Arg775His; replaces arginine 775 with histidine.
Molecular consequence: missense variant.
Genome position (GRCh38, 1-based): chr2:50,531,250, C>T on the plus strand (G>A on the coding strand, the complement: NRXN1 is on the minus strand). VCF-style: chr2-50531250-C-T. GRCh37 (hg19) VCF-style: chr2-50758388-C-T.
Other names: c.2444G>A, p.Arg815His (NM_001135659.3); c.2300G>A, p.Arg767His (NM_001330077.2, NM_001330082.2, NM_001330095.2); c.2285G>A, p.Arg762His (NM_001330083.2, NM_001330084.2); c.2324G>A, p.Arg775His (NM_001330085.2, NM_001330086.2, NM_004801.6); c.2240G>A, p.Arg747His (NM_001330087.2, NM_001330096.2); c.2270G>A, p.Arg757His (NM_001330088.2); c.2321G>A, p.Arg774His (NM_001330093.2); c.2312G>A, p.Arg771His (NM_001330094.2); short protein forms R747H, R762H, R767H, R774H, R775H, R757H, R815H, R771H.
Identifiers: ClinVar variation 1978920 (VCV001978920.4), dbSNP rs369744946, ClinGen allele CA1654872.

ClinVar aggregate classification (germline): Uncertain significance (1 of 4 stars; one submission).

Conditions:
Pitt-Hopkins-like syndrome 2 (PTHSL2). Identifiers: Orphanet 221150, Orphanet 600663, MedGen C3280479, MONDO:0013690, OMIM 614325.

Allele frequency attached by ClinVar (database versions not stated): gnomAD exomes below 0.00001; gnomAD 0.00001; TOPMed 0.00001; ExAC 0.00003; ESP Exome Variant Server 0.00008.
gnomAD v4.1: 4 of 1,613,082 alleles (0.00025%); highest among the groups gnomAD compares: African/African-American, 0.0013%; no homozygotes.

Submission:

Labcorp Genetics (formerly Invitae), Labcorp
Classification: Uncertain significance for Pitt-Hopkins-like syndrome 2. Last evaluated: 2022-06-02. Review status: criteria provided, single submitter. Criteria: Invitae Variant Classification Sherloc (09022015). Collection method: clinical testing. Allele origin: germline.
Comment: This sequence change replaces arginine, which is basic and polar, with histidine, which is basic and polar, at codon 815 of the NRXN1 protein (p.Arg815His). This variant is present in population databases (rs369744946, gnomAD 0.01%). This variant has not been reported in the literature in individuals affected with NRXN1-related conditions. Algorithms developed to predict the effect of missense changes on protein structure and function are either unavailable or do not agree on the potential impact of this missense change (SIFT: "Deleterious"; PolyPhen-2: "Probably Damaging"; Align-GVGD: "Class C0"). In summary, the available evidence is currently insufficient to determine the role of this variant in disease. Therefore, it has been classified as a Variant of Uncertain Significance.